The following is an entry in ClinVar:

NM_000179.3(MSH6):c.*9_*10insT

Gene: MSH6 (mutS homolog 6; plus strand). Cytogenetic location: 2p16.3.
Variant type: Insertion.
Coding change: c.*9_*10insT on transcript NM_000179.3 (MANE Select); 9 bases downstream of the stop codon through 10 bases downstream of the stop codon, T inserted.
Molecular consequence: 3 prime UTR variant. On other transcripts: non-coding transcript variant (5).
Genome position: GRCh38 VCF-style: chr2-47806869-C-CT. GRCh37 (hg19) VCF-style: chr2-48034008-C-CT.
Other names: c.*9_*10insT (NM_001281492.2, NM_001281493.2, NM_001281494.2 and 33 more transcripts); c.*113_*114insT (NM_001406800.1); c.*73_*74insT (NM_001406801.1, NM_001406802.1, NM_001406808.1 and 1 more transcripts).
Identifiers: ClinVar variation 3904086 (VCV003904086.1).
Genomic context (GRCh38, chr2:47,806,869, plus strand): 5'-TGTAGATGCTGAAGCTGTCCATAAATTGCTGACTTTGATTAAGGAATTATAGACTGACTA[C>CT]ATTGGAAGCTTTGAGTTGACTTCTGACAAAGGTGGTAAATTCAGACAACATTATGATCTA-3'

ClinVar aggregate classification (germline): Benign (1 of 4 stars; one submission).

Conditions:
Lynch syndrome 5 (LYNCH5). Also called: Colorectal cancer, hereditary nonpolyposis, type 5; Hereditary non-polyposis colorectal cancer, type 5. Identifiers: Orphanet 144, MedGen C1833477, MONDO:0013710, OMIM 614350. Disease mechanism: loss of function.

Submission:

Myriad Genetics, Inc.
Classification: Benign for Lynch syndrome 5. Last evaluated: 2025-01-09. Review status: criteria provided, single submitter. Criteria: Myriad Autosomal Dominant, Autosomal Recessive and X-Linked Classification Criteria (2023). Collection method: clinical testing. Allele origin: unknown.
Comment: This variant is considered benign. This variant occurs in the non-coding 3' untranslated region of the gene, and is not expected to impact protein function.